The following is an entry in ClinVar:

NM_015335.5(MED13L):c.1994_1997del (p.Glu665fs)

Gene: MED13L (mediator complex subunit 13L; minus strand). Cytogenetic location: 12q24.21.
Variant type: Microsatellite.
Coding change: c.1994_1997del on transcript NM_015335.5 (MANE Select); coding-DNA positions 1994 to 1997, 4 bases deleted (AGAG; older notation c.1994_1997delAGAG).
Protein change: p.Glu665fs; shifts the reading frame from glutamic acid 665.
Molecular consequence: frameshift variant.
Genome position (GRCh38, 1-based): chr12:116,008,416-116,008,419, CTCT deleted on the plus strand (AGAG on the coding strand, the reverse complement: MED13L is on the minus strand); deleting any 4 consecutive bases within chr12:116,008,416-116,008,421 gives the same sequence; the c. name uses the placement nearest the transcript's 3' end. VCF-style (leftmost placement, unchanged base first): chr12-116008415-GCTCT-G. GRCh37 (hg19) VCF-style: chr12-116446220-GCTCT-G.
Other names: c.1994_1997delAGAG (NM_015335.4); short protein forms E665fs.
Identifiers: ClinVar variation 504183 (VCV000504183.3), dbSNP rs1555247800, ClinGen allele CA658785066.
Genomic context (GRCh38, chr12:116,008,415, plus strand): 5'-CATGCCCTTCCGGTGGACGGGTGGGTGGTGCAGAGAGCTGTCTTACCTTTGCAATGCAGT[GCTCT>G]CTGAGTTTACCTCCATTTTGGCATCACATCTCTCACCCTGGAGCTCTGGAGGCCTGAACT-3'

ClinVar aggregate classification (germline): Pathogenic. Review status: criteria provided, multiple submitters, no conflicts (2 of 4 stars). 2 submissions from 2 submitters: Pathogenic (2). Last evaluated 2020-10-19.

Conditions:
Cardiac anomalies - developmental delay - facial dysmorphism syndrome (MRFACD). Also called: Impaired intellectual development and distinctive facial features with or without cardiac defects; MED13L Syndrome. Identifiers: Orphanet 369891, MedGen C5192431, MONDO:0014773, OMIM 616789.

Submissions (2):

Victorian Clinical Genetics Services, Murdoch Childrens Research Institute
Classification: Pathogenic for Cardiac anomalies - developmental delay - facial dysmorphism syndrome. Last evaluated: 2020-10-19. Review status: criteria provided, single submitter. Criteria: ACMG Guidelines, 2015. Collection method: clinical testing. Allele origin: germline. Inheritance: Autosomal dominant inheritance. Affected: yes.
Comment: Based on the classification scheme VCGS_Germline_v1.3.3, this variant is classified as Pathogenic. Following criteria are met: 0102 - Loss of function is a known mechanism of disease in this gene and is associated with intellectual disability and distinctive facial features with or without cardiac defects (MIM#616789). (I) 0107 - This gene is associated with autosomal dominant disease. (I) 0201 - Variant is predicted to cause nonsense-mediated decay (NMD) and loss of protein (premature termination codon is located at least 54 nucleotides upstream of the final exon-exon junction). (SP) 0251 - This variant is heterozygous. (I) 0301 - Variant is absent from gnomAD (both v2 and v3). (SP) 0701 - Other NMD predicted variants comparable to the one identified in this case have very strong previous evidence for pathogenicity (ClinVar). (SP) 0803 - This variant has limited previous evidence of pathogenicity in. The variant has been previously reported as pathogenic once (ClinVar). (SP) 1208 - Inheritance information for this variant is not currently available in this individual. (I) Legend: (SP) - Supporting pathogenic, (I) - Information, (SB) - Supporting benign

GeneDx
Classification: Pathogenic. Last evaluated: 2018-01-31. Review status: criteria provided, single submitter. Criteria: GeneDx Variant Classification (06012015). Collection method: clinical testing. Allele origin: germline. Affected: yes.
Comment: The c.1994_1997delAGAG variant in the MED13L gene has not been reported previously as a pathogenic variant nor as a benign variant, to our knowledge. The c.1994_1997delAGAG variant causes a frameshift starting with codon Glutamic acid 665, changes this amino acid to an Alanine residue, and creates a premature Stop codon at position 8 of the new reading frame, denoted p.Glu665AlafsX8. This variant is predicted to cause loss of normal protein function either through protein truncation or nonsense-mediated mRNA decay. The c.1994_1997delAGAG variant is not observed in large population cohorts (Lek et al., 2016). We interpret c.1994_1997delAGAG as a pathogenic variant.